The following is an entry in ClinVar:

NM_001123385.2(BCOR):c.1675G>A (p.Gly559Arg)

Gene: BCOR (BCL6 corepressor; minus strand). Cytogenetic location: Xp11.4.
Variant type: single nucleotide variant.
Coding change: c.1675G>A on transcript NM_001123385.2 (MANE Select); coding-DNA position 1675, G replaced by A.
Protein change: p.Gly559Arg; replaces glycine 559 with arginine.
Molecular consequence: missense variant.
Genome position (GRCh38, 1-based): chrX:40,073,671, C>T on the plus strand (G>A on the coding strand, the complement: BCOR is on the minus strand). VCF-style: chrX-40073671-C-T. GRCh37 (hg19) VCF-style: chrX-39932924-C-T.
Other names: c.1675G>A, p.Gly559Arg (NM_001123383.2, NM_001123384.2, NM_001437510.1 and 4 more transcripts); short protein forms G559R.
Identifiers: ClinVar variation 4532351 (VCV004532351.1).
Genomic context (GRCh38, chrX:40,073,671, plus strand): 5'-CTGCATTGGCATTGGGGGCGGGTGATGCGGAGGCTGGGCGGCCTGCACTCGACACTGACC[C>T]TGAAACGTTAGTGATGACAGCATCGGTGCCGCCCATGCGCGGGCATGATGAACTCCGCTG-3'
Protein context (NP_001116857.1, residues 549-569): GTDAVITNVS[Gly559Arg]SVSSAGRPAS

ClinVar aggregate classification (germline): Uncertain significance (1 of 4 stars; one submission).

Submission:

GeneDx
Classification: Uncertain significance. Last evaluated: 2025-05-29. Review status: criteria provided, single submitter. Criteria: GeneDx Variant Classification Process June 2021. Collection method: clinical testing. Allele origin: germline. Affected: yes.
Comment: Not observed at significant frequency in large population cohorts (gnomAD); In silico analysis supports that this missense variant has a deleterious effect on protein structure/function; Has not been previously published as pathogenic or benign to our knowledge